The following is an entry in ClinVar:

NM_182961.4(SYNE1):c.14452T>A (p.Tyr4818Asn)

Gene: SYNE1 (spectrin repeat containing nuclear envelope protein 1; minus strand). Cytogenetic location: 6q25.2.
Variant type: single nucleotide variant.
Coding change: c.14452T>A on transcript NM_182961.4 (MANE Select); coding-DNA position 14452, T replaced by A.
Protein change: p.Tyr4818Asn; replaces tyrosine 4818 with asparagine.
Molecular consequence: missense variant.
Genome position (GRCh38, 1-based): chr6:152,330,233, A>T on the plus strand (T>A on the coding strand, the complement: SYNE1 is on the minus strand). VCF-style: chr6-152330233-A-T. GRCh37 (hg19) VCF-style: chr6-152651368-A-T.
Other names: c.14239T>A, p.Tyr4747Asn (NM_033071.5); short protein forms Y4747N, Y4818N.
Identifiers: ClinVar variation 288302 (VCV000288302.32), dbSNP rs142422990, ClinGen allele CA4056002.

ClinVar aggregate classification (germline): Conflicting classifications of pathogenicity. Review status: criteria provided, conflicting classifications (1 of 4 stars). 10 submissions from 9 submitters: Uncertain significance (2); Benign (1); Likely benign (7). Last evaluated 2025-12-10.

Conditions:
Autosomal recessive ataxia, Beauce type. Also called: Spinocerebellar ataxia, autosomal recessive 8; ATAXIA, RECESSIVE, OF BEAUCE; SYNE1 Deficiency; SYNE1-Related Autosomal Recessive Cerebellar Ataxia. Identifiers: Orphanet 88644, MedGen C1853116, MONDO:0012549, OMIM 610743.
Emery-Dreifuss muscular dystrophy 4, autosomal dominant (EDMD4). Also called: EMERY-DREIFUSS MUSCULAR DYSTROPHY 4 WITH VARIABLE FEATURES. Identifiers: Orphanet 261, MedGen C2751807, MONDO:0013071, OMIM 612998.
Limb-girdle muscular dystrophy (LGMD). Also called: Muscular Dystrophies, Limb-Girdle. Identifiers: Orphanet 263, MedGen C0686353, MeSH D049288, MONDO:0016971, HP:0006785.

Allele frequency attached by ClinVar (database versions not stated): gnomAD exomes 0.00006 and 0.00023; ExAC 0.00031; gnomAD 0.00090 and 0.00101; TOPMed 0.00107; 1000 Genomes Project 30x 0.00109; 1000 Genomes Project 0.00120; ESP Exome Variant Server 0.00138.
gnomAD v4.1: 236 of 1,614,180 alleles (0.015%); highest among the groups gnomAD compares: African/African-American, 0.3%; no homozygotes.

Submissions (10):

Labcorp Genetics (formerly Invitae), Labcorp
Classification: Likely benign for Emery-Dreifuss muscular dystrophy 4, autosomal dominant; Autosomal recessive ataxia, Beauce type. Last evaluated: 2025-12-10. Review status: criteria provided, single submitter. Criteria: Invitae Variant Classification Sherloc (09022015). Collection method: clinical testing. Allele origin: germline.

Women's Health and Genetics/Laboratory Corporation of America, LabCorp
Classification: Likely benign. Last evaluated: 2025-06-18. Review status: criteria provided, single submitter. Criteria: LabCorp Variant Classification Summary - May 2015. Collection method: clinical testing. Allele origin: germline.
Comment: Variant summary: SYNE1 c.14239T>A (p.Tyr4747Asn) results in a non-conservative amino acid change in the encoded protein sequence. Algorithms developed to predict the effect of missense changes on protein structure and function are either unavailable or do not agree on the potential impact of this missense change. The variant allele was found at a frequency of 0.00023 in 251442 control chromosomes, predominantly at a frequency of 0.0034 within the African or African-American subpopulation in the gnomAD database. The observed variant frequency within African or African-American control individuals in the gnomAD database is approximately 3.041 fold of the estimated maximal expected allele frequency for a pathogenic variant in SYNE1 causing Autosomal recessive ataxia, Beauce type phenotype (0.0011). To our knowledge, no occurrence of c.14239T>A in individuals affected with Autosomal recessive ataxia, Beauce type and no experimental evidence demonstrating its impact on protein function have been reported. ClinVar contains an entry for this variant (Variation ID: 288302). Based on the evidence outlined above, the variant was classified as likely benign.

GeneDx
Classification: Uncertain significance. Last evaluated: 2025-03-19. Review status: criteria provided, single submitter. Criteria: GeneDx Variant Classification Process June 2021. Collection method: clinical testing. Allele origin: germline. Affected: yes.
Comment: In silico analysis supports that this missense variant has a deleterious effect on protein structure/function; Has not been previously published as pathogenic or benign to our knowledge

Revvity Omics, Revvity
Classification: Likely benign. Last evaluated: 2025-02-23. Review status: criteria provided, single submitter. Criteria: ACMG Guidelines, 2015. Collection method: clinical testing. Allele origin: germline.

Athena Diagnostics
Classification: Likely benign. Last evaluated: 2024-12-27. Review status: criteria provided, single submitter. Criteria: Athena Diagnostics Criteria. Collection method: clinical testing. Allele origin: unknown.
Comment: The frequency of this variant in the general population is higher than would generally be expected for pathogenic variants in this gene.

Cambridge Genomics Laboratory, East Genomic Laboratory Hub, NHS Genomic Medicine Service
Classification: Likely benign for Limb-girdle muscular dystrophy. Last evaluated: 2019-09-03. Review status: criteria provided, single submitter. Criteria: ACGS Best Practice Guidelines for Variant Classification in Rare Disease 2020. Collection method: clinical testing. Allele origin: germline. Affected: yes. Observed: 1 variant allele.

Baylor Genetics
Classification: Uncertain significance for Autosomal recessive ataxia, Beauce type. Last evaluated: 2019-04-09. Review status: criteria provided, single submitter. Criteria: ACMG Guidelines, 2015. Collection method: clinical testing. Allele origin: unknown. Affected: yes.
Comment: This variant was determined to be of uncertain significance according to ACMG Guidelines, 2015 [PMID:25741868].

Illumina Laboratory Services, Illumina
Classification: Likely benign for Autosomal recessive ataxia, Beauce type. Last evaluated: 2018-01-12. Review status: criteria provided, single submitter. Criteria: ICSL Variant Classification Criteria 13 December 2019. Collection method: clinical testing. Allele origin: germline.
Comment: This variant was observed in the ICSL laboratory as part of a predisposition screen in an ostensibly healthy population. It had not been previously curated by ICSL or reported in the Human Gene Mutation Database (HGMD: prior to June 1st, 2018), and was therefore a candidate for classification through an automated scoring system. Utilizing variant allele frequency, disease prevalence and penetrance estimates, and inheritance mode, an automated score was calculated to assess if this variant is too frequent to cause the disease. Based on the score and internal cut-off values, a variant classified as likely benign is not then subjected to further curation. The score for this variant resulted in a classification of likely benign for this disease.

Illumina Laboratory Services, Illumina
Classification: Benign for Emery-Dreifuss muscular dystrophy 4, autosomal dominant. Last evaluated: 2018-01-12. Review status: criteria provided, single submitter. Criteria: ICSL Variant Classification Criteria 13 December 2019. Collection method: clinical testing. Allele origin: germline.
Comment: This variant was observed in the ICSL laboratory as part of a predisposition screen in an ostensibly healthy population. It had not been previously curated by ICSL or reported in the Human Gene Mutation Database (HGMD: prior to June 1st, 2018), and was therefore a candidate for classification through an automated scoring system. Utilizing variant allele frequency, disease prevalence and penetrance estimates, and inheritance mode, an automated score was calculated to assess if this variant is too frequent to cause the disease. Based on the score and internal cut-off values, a variant classified as benign is not then subjected to further curation. The score for this variant resulted in a classification of benign for this disease.

Eurofins Ntd Llc (ga)
Classification: Likely benign. Last evaluated: 2016-09-08. Review status: criteria provided, single submitter. Criteria: EGL Classification Definitions 2015. Collection method: clinical testing. Allele origin: germline. Observed: 3 variant alleles, 3 heterozygotes.